The following is an entry in ClinVar:

ClinVar aggregate classification (germline): Likely pathogenic (1 of 4 stars; one submission).

Conditions:
Bardet-Biedl syndrome 2 (BBS2). Identifiers: Orphanet 110, MedGen C2936863, MONDO:0014432, OMIM 615981.

Submission:

Natera, Inc.
Classification: Likely pathogenic for Bardet-Biedl syndrome type 2. Last evaluated: 2024-07-02. Review status: criteria provided, single submitter. Criteria: Natera Variant Classification Schema (03/2026). Collection method: clinical testing. Allele origin: germline.
Comment: The c.1698_1710del variant in BBS2 is a frameshift variant predicted to shift the reading frame beginning at codon 566 and leads to a stop codon 13 codons downstream. This variant is expected to result in nonsense mediated decay, truncation, or a dysfunctional protein product. This variant is rare in the general population with a frequency below the threshold expected for the associated phenotype(s). Given the available evidence, this variant is classified as Likely Pathogenic.

NM_031885.5(BBS2):c.1698_1710del (p.Asp566fs)

Gene: BBS2 (Bardet-Biedl syndrome 2; minus strand). Cytogenetic location: 16q13.
Variant type: Deletion.
Coding change: c.1698_1710del on transcript NM_031885.5 (MANE Select); coding-DNA positions 1698 to 1710, 13 bases deleted (TATCATCCAGTCA).
Protein change: p.Asp566fs; shifts the reading frame from aspartic acid 566.
Molecular consequence: frameshift variant. On other transcripts: non-coding transcript variant (5).
Genome position (GRCh38, 1-based): chr16:56,497,830-56,497,842, TGACTGGATGATA deleted on the plus strand (TATCATCCAGTCA on the coding strand, the reverse complement: BBS2 is on the minus strand); deleting any 13 consecutive bases within chr16:56,497,830-56,497,843 gives the same sequence; the c. name uses the placement nearest the transcript's 3' end. VCF-style (leftmost placement, unchanged base first): chr16-56497829-TTGACTGGATGATA-T. GRCh37 (hg19) VCF-style: chr16-56531741-TTGACTGGATGATA-T.
Other names: c.1698_1710del, p.Asp566fs (NM_001377456.1); short protein forms D566fs.
Identifiers: ClinVar variation 4816283 (VCV004816283.1).